The following is an entry in ClinVar:

NM_001330078.2(NRXN1):c.1427T>G (p.Val476Gly)

Gene: NRXN1 (neurexin 1; minus strand). Cytogenetic location: 2p16.3.
Variant type: single nucleotide variant.
Coding change: c.1427T>G on transcript NM_001330078.2 (MANE Select); coding-DNA position 1427, T replaced by G.
Protein change: p.Val476Gly; replaces valine 476 with glycine.
Molecular consequence: missense variant.
Genome position (GRCh38, 1-based): chr2:50,552,919, A>C on the plus strand (T>G on the coding strand, the complement: NRXN1 is on the minus strand). VCF-style: chr2-50552919-A-C. GRCh37 (hg19) VCF-style: chr2-50780057-A-C.
Other names: c.1547T>G, p.Val516Gly (NM_001135659.3); c.1403T>G, p.Val468Gly (NM_001330077.2, NM_001330082.2, NM_001330095.2); c.1388T>G, p.Val463Gly (NM_001330083.2, NM_001330084.2); c.1427T>G, p.Val476Gly (NM_001330085.2, NM_001330086.2, NM_004801.6); c.1343T>G, p.Val448Gly (NM_001330087.2, NM_001330096.2); c.1373T>G, p.Val458Gly (NM_001330088.2); c.1424T>G, p.Val475Gly (NM_001330093.2); c.1415T>G, p.Val472Gly (NM_001330094.2); short protein forms V516G, V458G, V472G, V475G, V448G, V468G, V476G, V463G.
Identifiers: ClinVar variation 452974 (VCV000452974.2), dbSNP rs1553778755, ClinGen allele CA346774187.

ClinVar aggregate classification (germline): Uncertain significance (1 of 4 stars; one submission).

Submission:

GeneDx
Classification: Uncertain significance. Last evaluated: 2017-10-26. Review status: criteria provided, single submitter. Criteria: GeneDx Variant Classification (06012015). Collection method: clinical testing. Allele origin: germline. Affected: yes.
Comment: A variant of uncertain significance has been identified in the NRXN1 gene. The V516G variant hasnot been published as a pathogenic variant, nor has it been reported as a benign variant to ourknowledge. The V516G variant is not observed in large population cohorts (Lek et al., 2016). TheV516G variant is a conservative amino acid substitution, which is not likely to impact secondaryprotein structure as these residues share similar properties. However, this substitution occurs at aposition that is conserved across species, and in silico analysis predicts this variant is probablydamaging to the protein structure/function. Therefore, based on the currently available information, it is unclear whether this variant is a pathogenic variant or a rare benign variant.